The following is an entry in ClinVar:

NM_003906.5(MCM3AP):c.4647+1G>A

Genes: MCM3AP (minichromosome maintenance complex component 3 associated protein; minus strand), MCM3AP-AS1 (MCM3AP antisense RNA 1; plus strand). Cytogenetic location: 21q22.3.
Variant type: single nucleotide variant.
Coding change: c.4647+1G>A on transcript NM_003906.5 (MANE Select); the canonical splice donor site of the intron after coding-DNA position 4647, G replaced by A.
Molecular consequence: splice donor variant.
Genome position (GRCh38, 1-based): chr21:46,246,306, C>T on the plus strand (G>A on the coding strand, the complement: MCM3AP is on the minus strand). VCF-style: chr21-46246306-C-T. GRCh37 (hg19) VCF-style: chr21-47666220-C-T.
Identifiers: ClinVar variation 1500331 (VCV001500331.8), dbSNP rs2123832235, ClinGen allele CA410544653.

ClinVar aggregate classification (germline): Likely pathogenic (1 of 4 stars; one submission).

Submission:

Labcorp Genetics (formerly Invitae), Labcorp
Classification: Likely pathogenic. Last evaluated: 2021-04-05. Review status: criteria provided, single submitter. Criteria: Invitae Variant Classification Sherloc (09022015). Collection method: clinical testing. Allele origin: germline.
Comment: This variant is not present in population databases (ExAC no frequency). In summary, the currently available evidence indicates that the variant is pathogenic, but additional data are needed to prove that conclusively. Therefore, this variant has been classified as Likely Pathogenic. Algorithms developed to predict the effect of sequence changes on RNA splicing suggest that this variant may disrupt the consensus splice site, but this prediction has not been confirmed by published transcriptional studies. This variant has not been reported in the literature in individuals with MCM3AP-related conditions. This sequence change affects a donor splice site in intron 22 of the MCM3AP gene. It is expected to disrupt RNA splicing. Variants that disrupt the donor or acceptor splice site typically lead to a loss of protein function (PMID: 16199547), and loss-of-function variants in MCM3AP are known to be pathogenic (PMID: 28633435).

Literature cited by the submitters: PubMed 16199547; PubMed 28633435.